The following is an entry in ClinVar:

NM_001759.4(CCND2):c.*479T>C

Gene: CCND2 (cyclin D2; plus strand). Cytogenetic location: 12p13.32.
Variant type: single nucleotide variant.
Coding change: c.*479T>C on transcript NM_001759.4 (MANE Select); 479 bases downstream of the stop codon, T replaced by C.
Molecular consequence: 3 prime UTR variant.
Genome position (GRCh38, 1-based): chr12:4,300,488, T>C. VCF-style: chr12-4300488-T-C. GRCh37 (hg19) VCF-style: chr12-4409654-T-C.
Identifiers: ClinVar variation 2642584 (VCV002642584.24), dbSNP rs547100974, ClinGen allele CA231747821.

ClinVar aggregate classification (germline): Benign (1 of 4 stars; one submission).

Allele frequency attached by ClinVar (database versions not stated): gnomAD exomes 0.00003; gnomAD 0.00007; TOPMed 0.00008; 1000 Genomes Project 30x 0.00016; 1000 Genomes Project 0.00020.

Submission:

CeGaT Center for Human Genetics Tuebingen
Classification: Benign. Last evaluated: 2022-07-01. Review status: criteria provided, single submitter. Criteria: CeGaT Center For Human Genetics Tuebingen Variant Classification Criteria Version 2. Collection method: clinical testing. Allele origin: germline. Affected: yes. Observed: 1 variant allele.
Comment: CCND2: BS1, BS2